The following is an entry in ClinVar:

ClinVar aggregate classification (germline): Pathogenic/Likely pathogenic. Review status: criteria provided, multiple submitters, no conflicts (2 of 4 stars). 2 submissions from 2 submitters: Pathogenic (1); Likely pathogenic (1). Last evaluated 2023-11-11.

Conditions:
Immunodeficiency 18 (IMD18). Also called: CD3epsilon deficiency; CD3-EPSILON DEFICIENCY. Identifiers: MedGen C3810127, MONDO:0014278, OMIM 615615.

Submissions (2):

Labcorp Genetics (formerly Invitae), Labcorp
Classification: Pathogenic for Immunodeficiency 18. Last evaluated: 2023-11-11. Review status: criteria provided, single submitter. Criteria: Invitae Variant Classification Sherloc (09022015). Collection method: clinical testing. Allele origin: germline.
Comment: This sequence change creates a premature translational stop signal (p.Thr44Serfs*12) in the CD3E gene. It is expected to result in an absent or disrupted protein product. Loss-of-function variants in CD3E are known to be pathogenic (PMID: 8490660, 15546002). This variant is not present in population databases (gnomAD no frequency). This variant has not been reported in the literature in individuals affected with CD3E-related conditions. For these reasons, this variant has been classified as Pathogenic.

Department of Pathology and Laboratory Medicine, Sinai Health System
Classification: Likely pathogenic for Immunodeficiency 18. Last evaluated: 2023-04-11. Review status: criteria provided, single submitter. Criteria: ACMG Guidelines, 2015. Collection method: research. Allele origin: germline.

Literature cited by the submitters: PubMed 8490660 (cited by Labcorp Genetics (formerly Invitae), Labcorp); PubMed 15546002 (cited by Labcorp Genetics (formerly Invitae), Labcorp).

NM_000733.4(CD3E):c.131_132del (p.Thr44fs)

Gene: CD3E (CD3 epsilon subunit of T-cell receptor complex; plus strand). Cytogenetic location: 11q23.3.
Variant type: Microsatellite.
Coding change: c.131_132del on transcript NM_000733.4 (MANE Select); coding-DNA positions 131 to 132, 2 bases deleted (CA; older notation c.131_132delCA).
Protein change: p.Thr44fs; shifts the reading frame from threonine 44.
Molecular consequence: frameshift variant.
Genome position (GRCh38, 1-based): chr11:118,312,645-118,312,646, CA deleted; deleting any 2 consecutive bases within chr11:118,312,643-118,312,646 gives the same sequence; the c. name uses the placement nearest the transcript's 3' end. VCF-style (leftmost placement, unchanged base first): chr11-118312642-CCA-C. GRCh37 (hg19) VCF-style: chr11-118183357-CCA-C.
Other names: short protein forms T44fs.
Identifiers: ClinVar variation 2695048 (VCV002695048.4), dbSNP rs2496834883, ClinGen allele CA2697558975.